The following is an entry in ClinVar:

NM_001849.4(COL6A2):c.2408A>G (p.Asp803Gly)

Gene: COL6A2 (collagen type VI alpha 2 chain; plus strand). Cytogenetic location: 21q22.3.
Variant type: single nucleotide variant.
Coding change: c.2408A>G on transcript NM_001849.4 (MANE Select); coding-DNA position 2408, A replaced by G.
Protein change: p.Asp803Gly; replaces aspartic acid 803 with glycine.
Molecular consequence: missense variant.
Genome position (GRCh38, 1-based): chr21:46,126,223, A>G. VCF-style: chr21-46126223-A-G. GRCh37 (hg19) VCF-style: chr21-47546137-A-G.
Other names: c.2408A>G, p.Asp803Gly (NM_058174.3, NM_058175.3); short protein forms D803G.
Identifiers: ClinVar variation 4808906 (VCV004808906.1).
Genomic context (GRCh38, chr21:46,126,223, plus strand): 5'-TGCGCAACATGACGCTGTTCTCCGACCTGGTCGCTGAGAAGTTCATCGATGACATGGAGG[A>G]CGTCCTCTGCCCGGGTGAGCGTGTGGGCGCGGGGCAGTCGGCCGAGGAGCAGCAGGCCCC-3'
Protein context (NP_001840.3, residues 793-813): VAEKFIDDME[Asp803Gly]VLCPDPQIVC

ClinVar aggregate classification (germline): Uncertain significance (1 of 4 stars; one submission).

Conditions:
Bethlem myopathy 1A. Also called: MYOPATHY, BENIGN CONGENITAL, WITH CONTRACTURES; Bethlem myopathy 1; Bethlem Muscular Dystrophy. Identifiers: Orphanet 610, MedGen CN029274, MONDO:0024530, OMIM 158810.

gnomAD v4.1: 5 of 1,599,230 alleles (0.00031%); highest among the groups gnomAD compares: East Asian, 0.0045%; no homozygotes.

Submission:

Labcorp Genetics (formerly Invitae), Labcorp
Classification: Uncertain significance for Bethlem myopathy 1A. Last evaluated: 2025-03-20. Review status: criteria provided, single submitter. Criteria: Invitae Variant Classification Sherloc (09022015). Collection method: clinical testing. Allele origin: germline.
Comment: This sequence change replaces aspartic acid, which is acidic and polar, with glycine, which is neutral and non-polar, at codon 803 of the COL6A2 protein (p.Asp803Gly). This variant is present in population databases (no rsID available, gnomAD 0.0009%). This variant has not been reported in the literature in individuals affected with COL6A2-related conditions. Invitae Evidence Modeling of protein sequence and biophysical properties (such as structural, functional, and spatial information, amino acid conservation, physicochemical variation, residue mobility, and thermodynamic stability) indicates that this missense variant is not expected to disrupt COL6A2 protein function with a negative predictive value of 80%. In summary, the available evidence is currently insufficient to determine the role of this variant in disease. Therefore, it has been classified as a Variant of Uncertain Significance.